The following is an entry in ClinVar:

NM_005477.3(HCN4):c.3117G>A (p.Pro1039=)

Gene: HCN4 (hyperpolarization activated cyclic nucleotide gated potassium channel 4; minus strand). Cytogenetic location: 15q24.1.
Variant type: single nucleotide variant.
Coding change: c.3117G>A on transcript NM_005477.3 (MANE Select); coding-DNA position 3117, G replaced by A.
Protein change: p.Pro1039=; no amino-acid change (proline 1039 retained).
Molecular consequence: synonymous variant.
Genome position (GRCh38, 1-based): chr15:73,322,976, C>T on the plus strand (G>A on the coding strand, the complement: HCN4 is on the minus strand). VCF-style: chr15-73322976-C-T. GRCh37 (hg19) VCF-style: chr15-73615317-C-T.
Other names: p.Pro1039=.
Identifiers: ClinVar variation 412793 (VCV000412793.26), dbSNP rs749785521, ClinGen allele CA7648881.

ClinVar aggregate classification (germline): Conflicting classifications of pathogenicity. Review status: criteria provided, conflicting classifications (1 of 4 stars). 7 submissions from 7 submitters: Uncertain significance (1); Likely benign (5). 1 of the submissions does not count toward it. Last evaluated 2026-01-18.

Conditions:
Cardiovascular phenotype. Identifiers: MedGen CN230736.
HCN4-related disorder. Also called: HCN4-related condition.
Brugada syndrome 8 (BRGDA8). Identifiers: Orphanet 130, MedGen C2751083, MONDO:0013148, OMIM 613123.

Allele frequency attached by ClinVar (database versions not stated): gnomAD exomes 0.00004 and 0.00046; gnomAD 0.00010 and 0.00011; TOPMed 0.00017; ExAC 0.00071.

Submissions (7):

Labcorp Genetics (formerly Invitae), Labcorp
Classification: Likely benign for Brugada syndrome 8. Last evaluated: 2026-01-18. Review status: criteria provided, single submitter. Criteria: Invitae Variant Classification Sherloc (09022015). Collection method: clinical testing. Allele origin: germline.

Mayo Clinic Laboratories, Mayo Clinic
Classification: Likely benign. Last evaluated: 2025-08-27. Review status: criteria provided, single submitter. Criteria: ACMG Guidelines, 2015. Collection method: clinical testing. Allele origin: germline. Observed: 1 variant allele.
Comment: BS1, BP4, BP7

Blueprint Genetics
Classification: Likely benign. Last evaluated: 2024-08-30. Review status: criteria provided, single submitter. Criteria: ACMG Guidelines, 2015. Collection method: clinical testing. Allele origin: germline.

GeneDx
Classification: Likely benign. Last evaluated: 2020-01-24. Review status: criteria provided, single submitter. Criteria: GeneDx Variant Classification Process June 2021. Collection method: clinical testing. Allele origin: germline. Affected: yes.

Ambry Genetics
Classification: Likely benign for Cardiovascular phenotype. Last evaluated: 2017-03-11. Review status: criteria provided, single submitter. Criteria: Ambry Variant Classification Scheme 2023. Collection method: clinical testing. Allele origin: germline.

Eurofins Ntd Llc (ga)
Classification: Uncertain significance. Last evaluated: 2016-10-13. Review status: criteria provided, single submitter. Criteria: EGL Classification Definitions 2015. Collection method: clinical testing. Allele origin: germline. Observed: 1 variant allele, 1 heterozygote.

PreventionGenetics, part of Exact Sciences
Classification: Benign for HCN4-related condition. Last evaluated: 2020-02-26. Review status: no assertion criteria provided. Collection method: clinical testing. Allele origin: germline. Not counted in ClinVar's aggregate classification.
Comment: This variant is classified as benign based on ACMG/AMP sequence variant interpretation guidelines (Richards et al. 2015 PMID: 25741868, with internal and published modifications).